The following is an entry in ClinVar:

NM_007294.4(BRCA1):c.1506A>G (p.Leu502=)

Gene: BRCA1 (BRCA1 DNA repair associated; minus strand). Cytogenetic location: 17q21.31.
Variant type: single nucleotide variant.
Coding change: c.1506A>G on transcript NM_007294.4 (MANE Select); coding-DNA position 1506, A replaced by G.
Protein change: p.Leu502=; no amino-acid change (leucine 502 retained).
Molecular consequence: synonymous variant. On other transcripts: intron variant (137).
Genome position (GRCh38, 1-based): chr17:43,094,025, T>C on the plus strand (A>G on the coding strand, the complement: BRCA1 is on the minus strand). VCF-style: chr17-43094025-T-C. GRCh37 (hg19) VCF-style: chr17-41246042-T-C.
Other names: c.1365A>G, p.Leu455= (NM_001407730.1, NM_001407731.1, NM_001407732.1 and 29 more transcripts); c.1362A>G, p.Leu454= (NM_001407740.1, NM_001407741.1, NM_001407742.1 and 20 more transcripts); c.1293A>G, p.Leu431= (NM_001407853.1, NM_001407894.1, NM_001407895.1 and 9 more transcripts); c.1506A>G, p.Leu502= (NM_001407854.1, NM_001407858.1, NM_001407859.1 and 30 more transcripts); c.1503A>G, p.Leu501= (NM_001407860.1, NM_001407861.1, NM_001407587.1 and 22 more transcripts); c.1305A>G, p.Leu435= (NM_001407862.1); c.1383A>G, p.Leu461= (NM_001407863.1, NM_001407919.1, NM_001407937.1 and 19 more transcripts); c.1302A>G, p.Leu434= (NM_001407874.1, NM_001407875.1); and 40 more.
Identifiers: ClinVar variation 187359 (VCV000187359.21), dbSNP rs786203671, ClinGen allele CA001010.

ClinVar aggregate classification (germline): Likely benign. Review status: reviewed by expert panel (3 of 4 stars). 7 submissions from 7 submitters: Likely benign (1). 6 of the submissions do not count toward it. Last evaluated 2017-06-29.

Conditions:
Hereditary breast ovarian cancer syndrome. Also called: Hereditary breast and ovarian cancer syndrome; Hereditary breast and ovarian cancer syndrome (HBOC); BRCA1- and BRCA2-Associated Hereditary Breast and Ovarian Cancer; Breast and ovarian cancer; Hereditary breast and ovarian cancer; Hereditary breast and/or ovarian cancer syndrome. Identifiers: Orphanet 145, MedGen C0677776, MeSH D061325, MONDO:0003582. Disease mechanism: loss of function.
Hereditary cancer-predisposing syndrome. Also called: Hereditary Cancer Syndrome; Hereditary neoplastic syndrome; Tumor predisposition; Neoplastic Syndromes, Hereditary. Identifiers: Orphanet 140162, MedGen C0027672, MeSH D009386, MONDO:0015356.
Breast-ovarian cancer, familial, susceptibility to, 1 (BROVCA1). Also called: OVARIAN CANCER, SUSCEPTIBILITY TO; BRCA1 Hereditary Breast and Ovarian Cancer. Identifiers: Orphanet 145, MedGen C2676676, MONDO:0011450, OMIM 604370. Disease mechanism: loss of function.

Allele frequency attached by ClinVar (database versions not stated): gnomAD exomes below 0.00001.
gnomAD v4.1: 1 of 1,614,064 alleles (0.000062%); highest among the groups gnomAD compares: Admixed American, 0.0017%; no homozygotes.

Submissions (7):

Evidence-based Network for the Interpretation of Germline Mutant Alleles (ENIGMA)
Classification: Likely benign for Breast-ovarian cancer, familial, susceptibility to, 1. Last evaluated: 2017-06-29. Review status: reviewed by expert panel. Criteria: ENIGMA BRCA1/2 Classification Criteria (2017-06-29). Collection method: curation. Allele origin: germline.
Comment: Synonymous substitution variant, with low bioinformatic likelihood to result in a splicing aberration (Splicing prior probability 0.02).

Labcorp Genetics (formerly Invitae), Labcorp
Classification: Likely benign for Hereditary breast ovarian cancer syndrome. Last evaluated: 2024-11-12. Review status: criteria provided, single submitter. Criteria: Invitae Variant Classification Sherloc (09022015). Collection method: clinical testing. Allele origin: germline. Not counted in ClinVar's aggregate classification.

All of Us Research Program, National Institutes of Health
Classification: Likely benign for Breast-ovarian cancer, familial, susceptibility to, 1. Last evaluated: 2023-11-30. Review status: criteria provided, single submitter. Criteria: ACMG Guidelines, 2015. Collection method: clinical testing. Allele origin: germline. Inheritance: Autosomal dominant inheritance. Observed: 2 variant alleles, 2 heterozygotes. Not counted in ClinVar's aggregate classification.
Comment: This study involves interpretation of variants in research participants for the purpose of population health screening. Participant phenotype was not available at the time of variant classification. Additional details can be found in publication PMID: 35346344, PMCID: PMC8962531

Women's Health and Genetics/Laboratory Corporation of America, LabCorp
Classification: Likely benign. Last evaluated: 2023-06-26. Review status: criteria provided, single submitter. Criteria: LabCorp Variant Classification Summary - May 2015. Collection method: clinical testing. Allele origin: germline. Not counted in ClinVar's aggregate classification.

GeneDx
Classification: Likely benign. Last evaluated: 2019-05-20. Review status: criteria provided, single submitter. Criteria: GeneDx Variant Classification Process June 2021. Collection method: clinical testing. Allele origin: germline. Affected: yes. Not counted in ClinVar's aggregate classification.
Comment: This variant is associated with the following publications: (PMID: 16327748, 11933205)

Color Diagnostics, LLC DBA Color Health
Classification: Likely benign for Hereditary cancer-predisposing syndrome. Last evaluated: 2017-10-23. Review status: criteria provided, single submitter. Criteria: ACMG Guidelines, 2015. Collection method: clinical testing. Allele origin: germline. Not counted in ClinVar's aggregate classification.

Ambry Genetics
Classification: Likely benign for Hereditary cancer-predisposing syndrome. Last evaluated: 2014-12-09. Review status: criteria provided, single submitter. Criteria: Ambry Variant Classification Scheme 2023. Collection method: clinical testing. Allele origin: germline. Not counted in ClinVar's aggregate classification.